The following is an entry in ClinVar:

ClinVar aggregate classification (germline): Likely benign. Review status: criteria provided, multiple submitters, no conflicts (2 of 4 stars). 3 submissions from 3 submitters: Likely benign (3). Last evaluated 2026-04-01.

Conditions:
Familial episodic pain syndrome with predominantly lower limb involvement. Also called: Episodic pain syndrome, familial, 3. Identifiers: Orphanet 391384, Orphanet 391392, MedGen C3809899, MONDO:0014247, OMIM 615552.
Hereditary sensory and autonomic neuropathy type 7. Also called: Neuropathy, hereditary sensory and autonomic, type VII; HSAN VII. Identifiers: Orphanet 391397, MedGen C3809882, MONDO:0014244, OMIM 615548.
SCN11A-related disorder. Also called: SCN11A-related condition.

Allele frequency attached by ClinVar (database versions not stated): ExAC 0.00002; gnomAD exomes 0.00002; TOPMed 0.00002.
gnomAD v4.1: 30 of 1,614,212 alleles (0.0019%); highest among the groups gnomAD compares: Middle Eastern, 0.016%; no homozygotes.

Submissions (3):

CeGaT Center for Human Genetics Tuebingen
Classification: Likely benign. Last evaluated: 2026-04-01. Review status: criteria provided, single submitter. Criteria: CeGaT Center For Human Genetics Tuebingen Variant Classification Criteria Version 2. Collection method: clinical testing. Allele origin: germline. Affected: yes. Observed: 1 variant allele.
Comment: SCN11A: BP4, BP7

PreventionGenetics, part of Exact Sciences
Classification: Likely benign for SCN11A-related condition. Last evaluated: 2025-09-29. Review status: criteria provided, single submitter. Criteria: ACMG Guidelines, 2015. Collection method: clinical testing. Allele origin: germline.
Comment: This variant is classified as likely benign based on ACMG/AMP sequence variant interpretation guidelines (Richards et al. 2015 PMID: 25741868, with internal and published modifications).

Labcorp Genetics (formerly Invitae), Labcorp
Classification: Likely benign for Familial episodic pain syndrome with predominantly lower limb involvement; Hereditary sensory and autonomic neuropathy type 7. Last evaluated: 2025-04-02. Review status: criteria provided, single submitter. Criteria: Invitae Variant Classification Sherloc (09022015). Collection method: clinical testing. Allele origin: germline.

NM_001349253.2(SCN11A):c.2529T>C (p.Phe843=)

Gene: SCN11A (sodium voltage-gated channel alpha subunit 11; minus strand). Cytogenetic location: 3p22.2.
Variant type: single nucleotide variant.
Coding change: c.2529T>C on transcript NM_001349253.2 (MANE Select); coding-DNA position 2529, T replaced by C.
Protein change: p.Phe843=; no amino-acid change (phenylalanine 843 retained).
Molecular consequence: synonymous variant.
Genome position (GRCh38, 1-based): chr3:38,894,839, A>G on the plus strand (T>C on the coding strand, the complement: SCN11A is on the minus strand). VCF-style: chr3-38894839-A-G. GRCh37 (hg19) VCF-style: chr3-38936330-A-G.
Other names: c.2529T>C, p.Phe843= (NM_014139.3); c.2529T>C (NM_014139.2).
Identifiers: ClinVar variation 1080527 (VCV001080527.10), dbSNP rs764912323, ClinGen allele CA2322021.
Genomic context (GRCh38, chr3:38,894,839, plus strand): 5'-TAAGTTTTGCTTCCTGCACCACTTGTGACAGAAATGCTCAAGAGTGTGTCTCACAAAACA[A>G]AAAGCCCGGCGGAATCGATCCAGTGCTAACTGGACTTTAGTTTTCCTGGCCTCTCCTTCT-3'
Protein context (NP_001336182.1, residues 833-853): QLALDRFRRA[Phe843=]CFVRHTLEHF